The following is an entry in ClinVar:

ClinVar aggregate classification (germline): Pathogenic. Review status: criteria provided, multiple submitters, no conflicts (2 of 4 stars). 11 submissions from 11 submitters: Pathogenic (8). 3 of the submissions do not count toward it. Last evaluated 2026-01-09.

Conditions:
COL1A1-related disorder. Also called: COL1A1-related condition; COL1A1- related disease.
Osteogenesis imperfecta (OI). Identifiers: Orphanet 666, MedGen C0029434, MeSH D010013, MONDO:0019019.
Osteogenesis imperfecta type I (OI1). Also called: OI, TYPE I; OSTEOGENESIS IMPERFECTA TARDA; OSTEOGENESIS IMPERFECTA WITH BLUE SCLERAE; Osteogenesis imperfecta type 1; Classic Non-deforming Osteogenesis Imperfecta with Blue Sclerae; Lobstein's Disease. Identifiers: Orphanet 216796, Orphanet 666, MedGen C0023931, MONDO:0008146, OMIM 166200. Disease mechanism: loss of function.

Allele frequency attached by ClinVar (database versions not stated): gnomAD exomes below 0.00001; ExAC 0.00001.
gnomAD v4.1: 1 of 1,614,056 alleles (0.000062%); highest among the groups gnomAD compares: Non-Finnish European, 0.000085%; no homozygotes.

Submissions (11):

Women's Health and Genetics/Laboratory Corporation of America, LabCorp
Classification: Pathogenic for Osteogenesis imperfecta type I. Last evaluated: 2026-01-09. Review status: criteria provided, single submitter. Criteria: LabCorp Variant Classification Summary - May 2015. Collection method: clinical testing. Allele origin: germline.
Comment: Variant summary: COL1A1 c.1792C>T (p.Arg598X) results in a premature termination codon, predicted to cause a truncation of the encoded protein or absence of the protein due to nonsense mediated decay, which are commonly known mechanisms for disease. The variant allele was found at a frequency of 4e-06 in 250274 control chromosomes. c.1792C>T has been observed in multiple individuals affected with Osteogenesis imperfecta (e.g., Siegert_2004, Higuchi_2021, Duan_2016). These data indicate that the variant is very likely to be associated with disease. The following publications have been ascertained in the context of this evaluation (PMID: 15106082, 33939306, 27044453). ClinVar contains an entry for this variant (Variation ID: 425603). Based on the evidence outlined above, the variant was classified as pathogenic.

PreventionGenetics, part of Exact Sciences
Classification: Pathogenic for COL1A1-related condition. Last evaluated: 2025-11-10. Review status: criteria provided, single submitter. Criteria: ACMG Guidelines, 2015. Collection method: clinical testing. Allele origin: germline.
Comment: The COL1A1 c.1792C>T variant is predicted to result in premature protein termination (p.Arg598*). This variant, also described as p.Arg420* using legacy nomenclature, has been reported in multiple individuals with osteogenesis imperfecta (OI) type 1 (Siegert et al. 2004. PubMed ID: 15106082; McInerney-Leo et al. 2013. PubMed ID: 24501682; Duan et al. 2016. PubMed ID: 27044453; Higuchi et al. 2021. PubMed ID: 33939306; Erbaş et al. 2021. PubMed ID: 34107839; Table S1, Lin et al. 2023. PubMed ID: 37270749). This variant is reported in 0.00089% of alleles in individuals of European (Non-Finnish) descent in gnomAD. Nonsense variants in COL1A1 are expected to be pathogenic. This variant is interpreted as pathogenic.

3billion
Classification: Pathogenic for COL1A1-related disorder. Last evaluated: 2025-10-02. Review status: criteria provided, single submitter. Criteria: ACMG Guidelines, 2015. Collection method: clinical testing. Allele origin: germline. Affected: yes.
Comment: The variant is observed at an extremely low frequency in the gnomAD v4.1.0 dataset (total allele frequency: <0.001%). Predicted Consequence/Location: Stop-gained (nonsense): predicted to result in a loss or disruption of normal protein function through nonsense-mediated decay (NMD) or protein truncation. Multiple pathogenic variants are reported downstream of the variant. The variant has been observed in at least two similarly affected unrelated individuals (PMID: 24501682, 27044453). The variant has been reported at least twice as pathogenic with clinical assertions and evidence for the classification (ClinVar ID: VCV000425603 /PMID: 15106082 /3billion dataset). Therefore, this variant is classified as Pathogenic according to the recommendation of ACMG/AMP guideline.

Labcorp Genetics (formerly Invitae), Labcorp
Classification: Pathogenic for Osteogenesis imperfecta type I. Last evaluated: 2025-03-12. Review status: criteria provided, single submitter. Criteria: Invitae Variant Classification Sherloc (09022015). Collection method: clinical testing. Allele origin: germline.
Comment: This sequence change creates a premature translational stop signal (p.Arg598*) in the COL1A1 gene. It is expected to result in an absent or disrupted protein product. Loss-of-function variants in COL1A1 are known to be pathogenic (PMID: 7942841, 9295084, 9443882). The frequency data for this variant in the population databases is considered unreliable, as metrics indicate poor data quality at this position in the gnomAD database. This premature translational stop signal has been observed in individual(s) with osteogensis imperfecta (PMID: 24501682, 27044453). ClinVar contains an entry for this variant (Variation ID: 425603). For these reasons, this variant has been classified as Pathogenic.

GeneDx
Classification: Pathogenic. Last evaluated: 2025-01-22. Review status: criteria provided, single submitter. Criteria: GeneDx Variant Classification Process June 2021. Collection method: clinical testing. Allele origin: germline. Affected: yes.
Comment: Reported as a potential COL1A1 hotspot variant in individuals with OI (PMID: 30614853; Osteogenesis Imperfecta Variant Database); Nonsense variant predicted to result in protein truncation or nonsense mediated decay in a gene for which loss of function is a known mechanism of disease; Not observed at significant frequency in large population cohorts (gnomAD); This variant is associated with the following publications: (PMID: 15106082, 24501682, 25525159, 25944380, 34963217, 33939306, 30614853, 34107839, 37270749, 34902613, 27044453)

Revvity Omics, Revvity
Classification: Pathogenic. Last evaluated: 2024-12-01. Review status: criteria provided, single submitter. Criteria: ACMG Guidelines, 2015. Collection method: clinical testing. Allele origin: germline.

Genome Diagnostics Laboratory, The Hospital for Sick Children
Classification: Pathogenic for Osteogenesis imperfecta. Last evaluated: 2020-02-01. Review status: criteria provided, single submitter. Criteria: ACMG Guidelines, 2015. Collection method: clinical testing. Allele origin: germline.

Clinical Biomedical Laboratory, Shriners Hospital For Children - Canada
Classification: Pathogenic for Osteogenesis imperfecta type I. Review status: criteria provided, single submitter. Criteria: ACMG Guidelines, 2015. Collection method: clinical testing. Allele origin: germline. Affected: yes.
Comment: This variant introduces a stop codon and is predicted to lead to degradation of the affected transcript and loss of function in COL1A1. Loss of function variants in COL1A1 are associated with osteogenesis imperfecta type I, which corresponds to the clinical diagnosis of the proband. The variant is absent from gnomAD (v.2.1.1), indicating that the variant is very rare in the general population. Based on ACMG criteria, the variant is classified as pathogenic (PVS1, PM2, PP4).

Autoinflammatory diseases unit, CHU de Montpellier
Classification: Pathogenic for Osteogenesis imperfecta type I. Last evaluated: 2024-10-02. Review status: no assertion criteria provided. Collection method: clinical testing. Allele origin: paternal. Affected: yes. Not counted in ClinVar's aggregate classification.

Department of Medical Sciences, Uppsala University
Classification: Pathogenic for OI type I. Review status: no assertion criteria provided. Collection method: clinical testing. Allele origin: paternal. Affected: yes. Observed: 1 variant allele. Not counted in ClinVar's aggregate classification.

Genomic Medicine Center of Excellence, King Faisal Specialist Hospital and Research Centre
Classification: Uncertain significance for Osteogenesis imperfecta type I. Last evaluated: 2024-03-29. Review status: flagged submission. Criteria: ACMG Guidelines, 2015. Collection method: clinical testing. Allele origin: germline. Not counted in ClinVar's aggregate classification.
ClinVar note: Reason: Outlier claim with insufficient supporting evidence

Literature cited by the submitters: PubMed 15106082 (cited by Women's Health and Genetics/Laboratory Corporation of America, LabCorp and 3billion); PubMed 33939306 (cited by Women's Health and Genetics/Laboratory Corporation of America, LabCorp); PubMed 27044453 (cited by 3 submitters); PubMed 24501682 (cited by 3billion and Labcorp Genetics (formerly Invitae), Labcorp); PubMed 7942841 (cited by Labcorp Genetics (formerly Invitae), Labcorp); PubMed 9295084 (cited by Labcorp Genetics (formerly Invitae), Labcorp); PubMed 9443882 (cited by Labcorp Genetics (formerly Invitae), Labcorp); PubMed 25944380 (cited by Department of Medical Sciences, Uppsala University).

NM_000088.4(COL1A1):c.1792C>T (p.Arg598Ter)

Gene: COL1A1 (collagen type I alpha 1 chain; minus strand). Cytogenetic location: 17q21.33.
Variant type: single nucleotide variant.
Coding change: c.1792C>T on transcript NM_000088.4 (MANE Select); coding-DNA position 1792, C replaced by T.
Protein change: p.Arg598Ter; replaces arginine 598 with a stop codon.
Molecular consequence: nonsense.
Genome position (GRCh38, 1-based): chr17:50,193,023, G>A on the plus strand (C>T on the coding strand, the complement: COL1A1 is on the minus strand). VCF-style: chr17-50193023-G-A. GRCh37 (hg19) VCF-style: chr17-48270384-G-A.
Other names: c.1792C>T (LRG_1t1); short protein forms R598*.
Identifiers: ClinVar variation 425603 (VCV000425603.24), dbSNP rs72651614, ClinGen allele CA8645100.